The following is an entry in ClinVar:

NM_001270508.2(TNFAIP3):c.1192G>T (p.Val398Leu)

Gene: TNFAIP3 (TNF alpha induced protein 3; plus strand). Cytogenetic location: 6q23.3.
Variant type: single nucleotide variant.
Coding change: c.1192G>T on transcript NM_001270508.2 (MANE Select); coding-DNA position 1192, G replaced by T.
Protein change: p.Val398Leu; replaces valine 398 with leucine.
Molecular consequence: missense variant.
Genome position (GRCh38, 1-based): chr6:137,878,637, G>T. VCF-style: chr6-137878637-G-T. GRCh37 (hg19) VCF-style: chr6-138199774-G-T.
Other names: c.1192G>T, p.Val398Leu (NM_001270507.2, NM_006290.4); short protein forms V398L.
Identifiers: ClinVar variation 3706527 (VCV003706527.3).

ClinVar aggregate classification (germline): Uncertain significance. Review status: criteria provided, multiple submitters, no conflicts (2 of 4 stars). 2 submissions from 2 submitters: Uncertain significance (2). Last evaluated 2024-08-31.

gnomAD v4.1: 4 of 1,614,230 alleles (0.00025%); no homozygotes.

Submissions (2):

Labcorp Genetics (formerly Invitae), Labcorp
Classification: Uncertain significance. Last evaluated: 2024-08-31. Review status: criteria provided, single submitter. Criteria: Invitae Variant Classification Sherloc (09022015). Collection method: clinical testing. Allele origin: germline.
Comment: This sequence change replaces valine, which is neutral and non-polar, with leucine, which is neutral and non-polar, at codon 398 of the TNFAIP3 protein (p.Val398Leu). This variant is not present in population databases (gnomAD no frequency). This variant has not been reported in the literature in individuals affected with TNFAIP3-related conditions. Invitae Evidence Modeling of protein sequence and biophysical properties (such as structural, functional, and spatial information, amino acid conservation, physicochemical variation, residue mobility, and thermodynamic stability) has been performed for this missense variant. However, the output from this modeling did not meet the statistical confidence thresholds required to predict the impact of this variant on TNFAIP3 protein function. In summary, the available evidence is currently insufficient to determine the role of this variant in disease. Therefore, it has been classified as a Variant of Uncertain Significance.

Blueprint Genetics
Classification: Uncertain significance. Last evaluated: 2024-04-30. Review status: criteria provided, single submitter. Criteria: ACMG Guidelines, 2015. Collection method: clinical testing. Allele origin: germline.